The following is an entry in ClinVar:

NM_005228.5(EGFR):c.971G>C (p.Arg324Pro)

Gene: EGFR (epidermal growth factor receptor; plus strand). Cytogenetic location: 7p11.2.
Variant type: single nucleotide variant.
Coding change: c.971G>C on transcript NM_005228.5 (MANE Select); coding-DNA position 971, G replaced by C.
Protein change: p.Arg324Pro; replaces arginine 324 with proline.
Molecular consequence: missense variant.
Genome position (GRCh38, 1-based): chr7:55,155,911, G>C. VCF-style: chr7-55155911-G-C. GRCh37 (hg19) VCF-style: chr7-55223604-G-C.
Other names: c.836G>C, p.Arg279Pro (NM_001346897.2, NM_001346899.2); c.971G>C, p.Arg324Pro (NM_001346898.2, NM_201282.2, NM_201283.2 and 1 more transcripts); c.812G>C, p.Arg271Pro (NM_001346900.2); c.170G>C, p.Arg57Pro (NM_001346941.2); short protein forms R324P, R279P, R271P, R57P.
Identifiers: ClinVar variation 963779 (VCV000963779.11), dbSNP rs758748662, ClinGen allele CA367578093.

ClinVar aggregate classification (germline): Uncertain significance. Review status: criteria provided, multiple submitters, no conflicts (2 of 4 stars). 2 submissions from 2 submitters: Uncertain significance (2). Last evaluated 2026-05-23.

Conditions:
EGFR-related lung cancer (EGFR). Identifiers: MedGen CN130014.
Hereditary cancer-predisposing syndrome. Also called: Hereditary Cancer Syndrome; Neoplastic Syndromes, Hereditary; Tumor predisposition; Hereditary neoplastic syndrome. Identifiers: Orphanet 140162, MedGen C0027672, MeSH D009386, MONDO:0015356.

Allele frequency attached by ClinVar (database versions not stated): TOPMed 0.00002.

Submissions (2):

Ambry Genetics
Classification: Uncertain significance for Hereditary cancer-predisposing syndrome. Last evaluated: 2026-05-23. Review status: criteria provided, single submitter. Criteria: Ambry Variant Classification Scheme 2023. Collection method: clinical testing. Allele origin: germline.

Labcorp Genetics (formerly Invitae), Labcorp
Classification: Uncertain significance for EGFR-related lung cancer. Last evaluated: 2025-05-27. Review status: criteria provided, single submitter. Criteria: Invitae Variant Classification Sherloc (09022015). Collection method: clinical testing. Allele origin: germline.
Comment: This sequence change replaces arginine, which is basic and polar, with proline, which is neutral and non-polar, at codon 324 of the EGFR protein (p.Arg324Pro). This variant is not present in population databases (gnomAD no frequency). This variant has not been reported in the literature in individuals affected with EGFR-related conditions. ClinVar contains an entry for this variant (Variation ID: 963779). Invitae Evidence Modeling of protein sequence and biophysical properties (such as structural, functional, and spatial information, amino acid conservation, physicochemical variation, residue mobility, and thermodynamic stability) has been performed for this missense variant. However, the output from this modeling did not meet the statistical confidence thresholds required to predict the impact of this variant on EGFR protein function. In summary, the available evidence is currently insufficient to determine the role of this variant in disease. Therefore, it has been classified as a Variant of Uncertain Significance.